The following is an entry in ClinVar:

NM_001155.5(ANXA6):c.1113G>A (p.Ala371=)

Gene: ANXA6 (annexin A6; minus strand). Cytogenetic location: 5q33.1.
Variant type: single nucleotide variant.
Coding change: c.1113G>A on transcript NM_001155.5 (MANE Select); coding-DNA position 1113, G replaced by A.
Protein change: p.Ala371=; no amino-acid change (alanine 371 retained).
Molecular consequence: synonymous variant.
Genome position (GRCh38, 1-based): chr5:151,124,311, C>T on the plus strand (G>A on the coding strand, the complement: ANXA6 is on the minus strand). VCF-style: chr5-151124311-C-T. GRCh37 (hg19) VCF-style: chr5-150503872-C-T.
Other names: c.1017G>A, p.Ala339= (NM_001193544.2); c.1113G>A, p.Ala371= (NM_001363114.2).
Identifiers: ClinVar variation 791421 (VCV000791421.27), dbSNP rs138779149, ClinGen allele CA3516857.

ClinVar aggregate classification (germline): Benign/Likely benign. Review status: criteria provided, multiple submitters, no conflicts (2 of 4 stars). 2 submissions from 2 submitters: Benign (1); Likely benign (1). Last evaluated 2023-01-01.

Allele frequency attached by ClinVar (database versions not stated): 1000 Genomes Project 30x 0.00156; 1000 Genomes Project 0.00160; TOPMed 0.00378; gnomAD 0.00406 and 0.00418; ESP Exome Variant Server 0.00437.
gnomAD v4.1: 9,014 of 1,613,618 alleles (0.56%); highest among the groups gnomAD compares: Non-Finnish European, 0.68%; 43 homozygotes.

Submissions (2):

CeGaT Center for Human Genetics Tuebingen
Classification: Likely benign. Last evaluated: 2023-01-01. Review status: criteria provided, single submitter. Criteria: CeGaT Center For Human Genetics Tuebingen Variant Classification Criteria Version 2. Collection method: clinical testing. Allele origin: germline. Affected: yes. Observed: 2 variant alleles.
Comment: ANXA6: BP4, BP7, BS2

Labcorp Genetics (formerly Invitae), Labcorp
Classification: Benign. Last evaluated: 2018-02-12. Review status: criteria provided, single submitter. Criteria: Invitae Variant Classification Sherloc (09022015). Collection method: clinical testing. Allele origin: germline.